The following is an entry in ClinVar:

ClinVar aggregate classification (germline): Uncertain significance. Review status: criteria provided, multiple submitters, no conflicts (2 of 4 stars). 2 submissions from 2 submitters: Uncertain significance (2). Last evaluated 2026-01-12.

Conditions:
Inborn genetic diseases. Identifiers: MedGen C0950123, MeSH D030342.

Allele frequency attached by ClinVar (database versions not stated): TOPMed 0.00001; gnomAD 0.00001; ExAC 0.00001; gnomAD exomes 0.00002.

Submissions (2):

Labcorp Genetics (formerly Invitae), Labcorp
Classification: Uncertain significance. Last evaluated: 2026-01-12. Review status: criteria provided, single submitter. Criteria: Invitae Variant Classification Sherloc (09022015). Collection method: clinical testing. Allele origin: germline.
Comment: This sequence change replaces glutamic acid, which is acidic and polar, with lysine, which is basic and polar, at codon 261 of the MCM3AP protein (p.Glu261Lys). This variant is present in population databases (rs773291610, gnomAD 0.003%). This variant has not been reported in the literature in individuals affected with MCM3AP-related conditions. ClinVar contains an entry for this variant (Variation ID: 2298720). An algorithm developed to predict the effect of missense changes on protein structure and function (PolyPhen-2) suggests that this variant is likely to be tolerated. In summary, the available evidence is currently insufficient to determine the role of this variant in disease. Therefore, it has been classified as a Variant of Uncertain Significance.

Ambry Genetics
Classification: Uncertain significance for Inborn genetic diseases. Last evaluated: 2022-06-29. Review status: criteria provided, single submitter. Criteria: Ambry Variant Classification Scheme 2023. Collection method: clinical testing. Allele origin: germline.

NM_003906.5(MCM3AP):c.781G>A (p.Glu261Lys)

Gene: MCM3AP (minichromosome maintenance complex component 3 associated protein; minus strand). Cytogenetic location: 21q22.3.
Variant type: single nucleotide variant.
Coding change: c.781G>A on transcript NM_003906.5 (MANE Select); coding-DNA position 781, G replaced by A.
Protein change: p.Glu261Lys; replaces glutamic acid 261 with lysine.
Molecular consequence: missense variant.
Genome position (GRCh38, 1-based): chr21:46,284,506, C>T on the plus strand (G>A on the coding strand, the complement: MCM3AP is on the minus strand). VCF-style: chr21-46284506-C-T. GRCh37 (hg19) VCF-style: chr21-47704420-C-T.
Other names: short protein forms E261K.
Identifiers: ClinVar variation 2298720 (VCV002298720.4), dbSNP rs773291610, ClinGen allele CA10077271.